The following is an entry in ClinVar:

NM_004415.4(DSP):c.3320T>C (p.Leu1107Pro)

Gene: DSP (desmoplakin; plus strand). Cytogenetic location: 6p24.3.
Variant type: single nucleotide variant.
Coding change: c.3320T>C on transcript NM_004415.4 (MANE Select); coding-DNA position 3320, T replaced by C.
Protein change: p.Leu1107Pro; replaces leucine 1107 with proline.
Molecular consequence: missense variant.
Genome position (GRCh38, 1-based): chr6:7,579,510, T>C. VCF-style: chr6-7579510-T-C. GRCh37 (hg19) VCF-style: chr6-7579743-T-C.
Other names: c.3320T>C, p.Leu1107Pro (NM_001008844.3, NM_001319034.2); short protein forms L1107P.
Identifiers: ClinVar variation 4015088 (VCV004015088.1).

ClinVar aggregate classification (germline): Uncertain significance (1 of 4 stars; one submission).

Conditions:
Cardiovascular phenotype. Identifiers: MedGen CN230736.

Submission:

Ambry Genetics
Classification: Uncertain significance for Cardiovascular phenotype. Last evaluated: 2025-03-23. Review status: criteria provided, single submitter. Criteria: Ambry Variant Classification Scheme 2023. Collection method: clinical testing. Allele origin: germline.
Comment: The p.L1107P variant (also known as c.3320T>C), located in coding exon 23 of the DSP gene, results from a T to C substitution at nucleotide position 3320. The leucine at codon 1107 is replaced by proline, an amino acid with similar properties. This amino acid position is conserved. In addition, this alteration is predicted to be deleterious by in silico analysis. Based on the available evidence, the clinical significance of this variant remains unclear.